The following is an entry in ClinVar:

ClinVar aggregate classification (germline): Uncertain significance (1 of 4 stars; one submission).

Conditions:
EP400-related disorder. Also called: EP400-related condition.

Submission:

PreventionGenetics, part of Exact Sciences
Classification: Uncertain significance for EP400-related condition. Last evaluated: 2024-10-09. Review status: criteria provided, single submitter. Criteria: ACMG Guidelines, 2015. Collection method: clinical testing. Allele origin: germline.
Comment: The EP400 c.5175T>G variant is predicted to result in the amino acid substitution p.Cys1725Trp. To our knowledge, this variant has not been reported in the literature or in a large population database (gnomAD), indicating this variant is rare. At this time, the clinical significance of this variant is uncertain due to the absence of conclusive functional and genetic evidence.

NM_015409.5(EP400):c.5175T>G (p.Cys1725Trp)

Genes: EP400 (E1A binding protein p400; plus strand), LOC124849291 (Sharpr-MPRA regulatory region 9648; plus strand). Cytogenetic location: 12q24.33.
Variant type: single nucleotide variant.
Coding change: c.5175T>G on transcript NM_015409.5 (MANE Select); coding-DNA position 5175, T replaced by G.
Protein change: p.Cys1725Trp; replaces cysteine 1725 with tryptophan.
Molecular consequence: missense variant.
Genome position (GRCh38, 1-based): chr12:132,028,082, T>G. VCF-style: chr12-132028082-T-G. GRCh37 (hg19) VCF-style: chr12-132512627-T-G.
Other names: short protein forms C1725W.
Identifiers: ClinVar variation 4982856 (VCV004982856.1).